The following is an entry in ClinVar:

ClinVar aggregate classification (germline): Conflicting classifications of pathogenicity. Review status: criteria provided, conflicting classifications (1 of 4 stars). 4 submissions from 4 submitters: Uncertain significance (3); Likely benign (1). Last evaluated 2026-03-24.

Conditions:
Cardiovascular phenotype. Identifiers: MedGen CN230736.

Allele frequency attached by ClinVar (database versions not stated): gnomAD exomes 0.00003; TOPMed 0.00007; gnomAD 0.00003.
gnomAD v4.1: 46 of 1,536,856 alleles (0.003%); highest among the groups gnomAD compares: Middle Eastern, 0.017%; no homozygotes.

Submissions (4):

Women's Health and Genetics/Laboratory Corporation of America, LabCorp
Classification: Uncertain significance. Last evaluated: 2026-03-24. Review status: criteria provided, single submitter. Criteria: LabCorp Variant Classification Summary - May 2015. Collection method: clinical testing. Allele origin: germline.
Comment: Variant summary: ZNF469 c.184G>A (p.Glu62Lys) results in a conservative amino acid change in the encoded protein sequence. Algorithms developed to predict the effect of missense changes on protein structure and function are either unavailable or do not agree on the potential impact of this missense change. The variant allele was found at a frequency of 1.5e-05 in 133068 control chromosomes. The available data on variant occurrences in the general population are insufficient to allow any conclusion about variant significance. To our knowledge, no occurrence of c.184G>A in individuals affected with ZNF469-related conditions and no experimental evidence demonstrating its impact on protein function have been reported. ClinVar contains an entry for this variant (Variation ID: 1781303). Based on the evidence outlined above, the variant was classified as uncertain significance.

Mayo Clinic Laboratories, Mayo Clinic
Classification: Uncertain significance. Last evaluated: 2025-03-26. Review status: criteria provided, single submitter. Criteria: ACMG Guidelines, 2015. Collection method: clinical testing. Allele origin: germline. Observed: 1 variant allele.
Comment: BP4_strong

Ambry Genetics
Classification: Likely benign for Cardiovascular phenotype. Last evaluated: 2024-12-13. Review status: criteria provided, single submitter. Criteria: Ambry Variant Classification Scheme 2023. Collection method: clinical testing. Allele origin: germline.

Labcorp Genetics (formerly Invitae), Labcorp
Classification: Uncertain significance. Last evaluated: 2022-04-12. Review status: criteria provided, single submitter. Criteria: Invitae Variant Classification Sherloc (09022015). Collection method: clinical testing. Allele origin: germline.
Comment: This sequence change replaces glutamic acid, which is acidic and polar, with lysine, which is basic and polar, at codon 62 of the ZNF469 protein (p.Glu62Lys). This variant is present in population databases (no rsID available, gnomAD 0.004%). This variant has not been reported in the literature in individuals affected with ZNF469-related conditions. Algorithms developed to predict the effect of missense changes on protein structure and function output the following: SIFT: "Tolerated"; PolyPhen-2: "Benign"; Align-GVGD: "Class C0". The lysine amino acid residue is found in multiple mammalian species, which suggests that this missense change does not adversely affect protein function. In summary, the available evidence is currently insufficient to determine the role of this variant in disease. Therefore, it has been classified as a Variant of Uncertain Significance.

NM_001367624.2(ZNF469):c.184G>A (p.Glu62Lys)

Gene: ZNF469 (zinc finger protein 469; plus strand). Cytogenetic location: 16q24.2.
Variant type: single nucleotide variant.
Coding change: c.184G>A on transcript NM_001367624.2 (MANE Select); coding-DNA position 184, G replaced by A.
Protein change: p.Glu62Lys; replaces glutamic acid 62 with lysine.
Molecular consequence: missense variant.
Genome position (GRCh38, 1-based): chr16:88,427,654, G>A. VCF-style: chr16-88427654-G-A. GRCh37 (hg19) VCF-style: chr16-88494062-G-A.
Other names: NM_001127464.1:c.184G>A; p.Glu62Lys; short protein forms E62K.
Identifiers: ClinVar variation 1781303 (VCV001781303.8), dbSNP rs1048845848, ClinGen allele CA286371358.